The following is an entry in ClinVar:

ClinVar aggregate classification (germline): Likely benign. Review status: criteria provided, multiple submitters, no conflicts (2 of 4 stars). 3 submissions from 3 submitters: Likely benign (3). Last evaluated 2025-10-05.

Conditions:
SLC34A3-related disorder. Also called: SLC34A3-related condition.

Allele frequency attached by ClinVar (database versions not stated): ExAC 0.00001; gnomAD exomes 0.00002; TOPMed 0.00002; gnomAD 0.00003; ESP Exome Variant Server 0.00008.
gnomAD v4.1: 36 of 1,608,794 alleles (0.0022%); highest among the groups gnomAD compares: Non-Finnish European, 0.003%; no homozygotes.

Submissions (3):

Labcorp Genetics (formerly Invitae), Labcorp
Classification: Likely benign. Last evaluated: 2025-10-05. Review status: criteria provided, single submitter. Criteria: Invitae Variant Classification Sherloc (09022015). Collection method: clinical testing. Allele origin: germline.

PreventionGenetics, part of Exact Sciences
Classification: Likely benign for SLC34A3-related condition. Last evaluated: 2025-05-08. Review status: criteria provided, single submitter. Criteria: ACMG Guidelines, 2015. Collection method: clinical testing. Allele origin: germline.
Comment: This variant is classified as likely benign based on ACMG/AMP sequence variant interpretation guidelines (Richards et al. 2015 PMID: 25741868, with internal and published modifications).

CeGaT Center for Human Genetics Tuebingen
Classification: Likely benign. Last evaluated: 2024-02-01. Review status: criteria provided, single submitter. Criteria: CeGaT Center For Human Genetics Tuebingen Variant Classification Criteria Version 2. Collection method: clinical testing. Allele origin: germline. Affected: yes. Observed: 1 variant allele.
Comment: SLC34A3: BP4, BP7

NM_001177316.2(SLC34A3):c.1035G>A (p.Leu345=)

Gene: SLC34A3 (solute carrier family 34 member 3; plus strand). Cytogenetic location: 9q34.3.
Variant type: single nucleotide variant.
Coding change: c.1035G>A on transcript NM_001177316.2 (MANE Select); coding-DNA position 1035, G replaced by A.
Protein change: p.Leu345=; no amino-acid change (leucine 345 retained).
Molecular consequence: synonymous variant.
Genome position (GRCh38, 1-based): chr9:137,234,218, G>A. VCF-style: chr9-137234218-G-A. GRCh37 (hg19) VCF-style: chr9-140128670-G-A.
Other names: c.1035G>A, p.Leu345= (NM_001177317.2, NM_080877.3); c.1035G>A (NM_080877.2).
Identifiers: ClinVar variation 2186616 (VCV002186616.27), dbSNP rs374828210, ClinGen allele CA5364730.
Genomic context (GRCh38, chr9:137,234,218, plus strand): 5'-CATCCTGCTGGCCGGCTCCCTGCTGGTGCTCTGCGGCTGCCTGGTCCTCATAGTCAAGCT[G>A]CTCAACTCTGTGCTGCGCGGCCGCGTGGCCCAGGTCGTGAGGACAGTCATCAATGCGGGT-3'
Protein context (NP_001170787.2, residues 335-355): LCGCLVLIVK[Leu345=]LNSVLRGRVA